The following is an entry in ClinVar:

ClinVar aggregate classification (germline): Benign/Likely benign. Review status: criteria provided, multiple submitters, no conflicts (2 of 4 stars). 4 submissions from 4 submitters: Benign (1); Likely benign (3). Last evaluated 2025-07-22.

Conditions:
Lynch syndrome 5 (LYNCH5). Also called: Colorectal cancer, hereditary nonpolyposis, type 5; Hereditary non-polyposis colorectal cancer, type 5. Identifiers: Orphanet 144, MedGen C1833477, MONDO:0013710, OMIM 614350. Disease mechanism: loss of function.
Hereditary nonpolyposis colorectal neoplasms. Identifiers: MedGen C0009405, MeSH D003123.
Hereditary cancer-predisposing syndrome. Also called: Tumor predisposition; Neoplastic Syndromes, Hereditary; Hereditary Cancer Syndrome; Hereditary neoplastic syndrome. Identifiers: Orphanet 140162, MedGen C0027672, MeSH D009386, MONDO:0015356.

Allele frequency attached by ClinVar (database versions not stated): gnomAD exomes below 0.00001.
gnomAD v4.1: 1 of 1,614,172 alleles (0.000062%); highest among the groups gnomAD compares: South Asian, 0.0011%; no homozygotes.

Submissions (4):

Labcorp Genetics (formerly Invitae), Labcorp
Classification: Likely benign for Hereditary nonpolyposis colorectal neoplasms. Last evaluated: 2025-07-22. Review status: criteria provided, single submitter. Criteria: Invitae Variant Classification Sherloc (09022015). Collection method: clinical testing. Allele origin: germline.

Myriad Genetics, Inc.
Classification: Benign for Lynch syndrome 5. Last evaluated: 2024-12-31. Review status: criteria provided, single submitter. Criteria: Myriad Autosomal Dominant, Autosomal Recessive and X-Linked Classification Criteria (2023). Collection method: clinical testing. Allele origin: unknown.
Comment: This variant is considered benign. This variant is a silent/synonymous amino acid change and it is not expected to impact splicing.

Ambry Genetics
Classification: Likely benign for Hereditary cancer-predisposing syndrome. Last evaluated: 2021-02-12. Review status: criteria provided, single submitter. Criteria: Ambry Variant Classification Scheme 2023. Collection method: clinical testing. Allele origin: germline.

Color Diagnostics, LLC DBA Color Health
Classification: Likely benign for Hereditary cancer-predisposing syndrome. Last evaluated: 2020-03-17. Review status: criteria provided, single submitter. Criteria: ACMG Guidelines, 2015. Collection method: clinical testing. Allele origin: germline.

NM_000179.3(MSH6):c.2328A>G (p.Gln776=)

Gene: MSH6 (mutS homolog 6; plus strand). Cytogenetic location: 2p16.3.
Variant type: single nucleotide variant.
Coding change: c.2328A>G on transcript NM_000179.3 (MANE Select); coding-DNA position 2328, A replaced by G.
Protein change: p.Gln776=; no amino-acid change (glutamine 776 retained).
Molecular consequence: synonymous variant.
Genome position (GRCh38, 1-based): chr2:47,800,311, A>G. VCF-style: chr2-47800311-A-G. GRCh37 (hg19) VCF-style: chr2-48027450-A-G.
Other names: c.1938A>G, p.Gln646= (NM_001281492.2); c.1422A>G, p.Gln474= (NM_001281493.2, NM_001281494.2).
Identifiers: ClinVar variation 760508 (VCV000760508.16), dbSNP rs1463214972, ClinGen allele CA426121471.